The following is an entry in ClinVar:

ClinVar aggregate classification (germline): Uncertain significance (1 of 4 stars; one submission).

Allele frequency attached by ClinVar (database versions not stated): TOPMed below 0.00001; ExAC 0.00001; gnomAD 0.00001; gnomAD exomes 0.00001; 1000 Genomes Project 30x 0.00016; 1000 Genomes Project 0.00020.
gnomAD v4.1: 16 of 1,613,500 alleles (0.00099%); highest among the groups gnomAD compares: East Asian, 0.029%; 1 homozygote.

Submission:

Labcorp Genetics (formerly Invitae), Labcorp
Classification: Uncertain significance. Last evaluated: 2024-02-17. Review status: criteria provided, single submitter. Criteria: Invitae Variant Classification Sherloc (09022015). Collection method: clinical testing. Allele origin: germline.
Comment: This sequence change replaces proline, which is neutral and non-polar, with leucine, which is neutral and non-polar, at codon 26 of the SLC39A14 protein (p.Pro26Leu). This variant is present in population databases (rs117349189, gnomAD 0.01%). This variant has not been reported in the literature in individuals affected with SLC39A14-related conditions. ClinVar contains an entry for this variant (Variation ID: 1372158). An algorithm developed to predict the effect of missense changes on protein structure and function (PolyPhen-2) suggests that this variant is likely to be tolerated. In summary, the available evidence is currently insufficient to determine the role of this variant in disease. Therefore, it has been classified as a Variant of Uncertain Significance.

NM_001128431.4(SLC39A14):c.77C>T (p.Pro26Leu)

Gene: SLC39A14 (solute carrier family 39 member 14; plus strand). Cytogenetic location: 8p21.3.
Variant type: single nucleotide variant.
Coding change: c.77C>T on transcript NM_001128431.4 (MANE Select); coding-DNA position 77, C replaced by T.
Protein change: p.Pro26Leu; replaces proline 26 with leucine.
Molecular consequence: missense variant.
Genome position (GRCh38, 1-based): chr8:22,404,787, C>T. VCF-style: chr8-22404787-C-T. GRCh37 (hg19) VCF-style: chr8-22262300-C-T.
Other names: c.77C>T, p.Pro26Leu (NM_001135153.3, NM_001135154.3, NM_001351655.2 and 3 more transcripts); c.107C>T, p.Pro36Leu (NM_001351657.2, NM_001351658.2, NM_001351659.2); short protein forms P26L, P36L.
Identifiers: ClinVar variation 1372158 (VCV001372158.6), dbSNP rs117349189, ClinGen allele CA4667218.
Genomic context (GRCh38, chr8:22,404,787, plus strand): 5'-TGCACCCGGCCTTCCAGAGCTGCCTCCTGCTGACCCTGCTTGGCTTATGGAGAACCACCC[C>T]TGAGGCTCACGCTTCATCCCTGGGTGCACCAGCTATCAGCGCTGCCTCCTTCCTGCAGGA-3'
Protein context (NP_001121903.1, residues 16-36): LTLLGLWRTT[Pro26Leu]EAHASSLGAP